The following is an entry in ClinVar:

ClinVar aggregate classification (germline): Uncertain significance (1 of 4 stars; one submission).

Conditions:
Cardiovascular phenotype. Identifiers: MedGen CN230736.

Submission:

Ambry Genetics
Classification: Uncertain significance for Cardiovascular phenotype. Last evaluated: 2026-02-22. Review status: criteria provided, single submitter. Criteria: Ambry Variant Classification Scheme 2023. Collection method: clinical testing. Allele origin: germline.
Comment: The p.S156P variant (also known as c.466T>C), located in coding exon 4 of the CSRP3 gene, results from a T to C substitution at nucleotide position 466. The serine at codon 156 is replaced by proline, an amino acid with similar properties. This amino acid position is conserved. In addition, this alteration is predicted to be deleterious by in silico analysis. Based on the available evidence, the clinical significance of this variant remains unclear.

NM_003476.5(CSRP3):c.466T>C (p.Ser156Pro)

Gene: CSRP3 (cysteine and glycine rich protein 3; minus strand). Cytogenetic location: 11p15.1.
Variant type: single nucleotide variant.
Coding change: c.466T>C on transcript NM_003476.5 (MANE Select); coding-DNA position 466, T replaced by C.
Protein change: p.Ser156Pro; replaces serine 156 with proline.
Molecular consequence: missense variant. On other transcripts: synonymous variant (1).
Genome position (GRCh38, 1-based): chr11:19,184,994, A>G on the plus strand (T>C on the coding strand, the complement: CSRP3 is on the minus strand). VCF-style: chr11-19184994-A-G. GRCh37 (hg19) VCF-style: chr11-19206541-A-G.
Other names: c.297T>C, p.Ser99= (NM_001369404.1); short protein forms S156P.
Identifiers: ClinVar variation 4844179 (VCV004844179.1).